The following is an entry in ClinVar:

ClinVar aggregate classification (germline): Likely benign. Review status: criteria provided, multiple submitters, no conflicts (2 of 4 stars). 3 submissions from 3 submitters: Likely benign (3). Last evaluated 2025-08-20.

Conditions:
Cardiovascular phenotype. Identifiers: MedGen CN230736.
Hypertrophic cardiomyopathy 12. Identifiers: MedGen C2677491, MONDO:0012804, OMIM 612124.
Dilated cardiomyopathy 1M (CMD1M). Identifiers: Orphanet 154, MedGen C1843808, MONDO:0011840, OMIM 607482.

Allele frequency attached by ClinVar (database versions not stated): gnomAD exomes 0.00003 and below 0.00001; ExAC 0.00001; gnomAD 0.00002.
gnomAD v4.1: 19 of 1,614,230 alleles (0.0012%); highest among the groups gnomAD compares: East Asian, 0.04%; no homozygotes.

Submissions (3):

Labcorp Genetics (formerly Invitae), Labcorp
Classification: Likely benign for Hypertrophic cardiomyopathy 12; Dilated cardiomyopathy 1M. Last evaluated: 2025-08-20. Review status: criteria provided, single submitter. Criteria: Invitae Variant Classification Sherloc (09022015). Collection method: clinical testing. Allele origin: germline.

Ambry Genetics
Classification: Likely benign for Cardiovascular phenotype. Last evaluated: 2021-04-13. Review status: criteria provided, single submitter. Criteria: Ambry Variant Classification Scheme 2023. Collection method: clinical testing. Allele origin: germline.

Laboratory for Molecular Medicine, Mass General Brigham Personalized Medicine
Classification: Likely benign. Last evaluated: 2012-03-09. Review status: criteria provided, single submitter. Criteria: LMM Criteria. Collection method: clinical testing. Allele origin: germline. Observed: 1 variant allele.
Comment: Lys152Lys in exon 5 of CSRP3: This variant is not expected to have clinical sign ificance because it does not alter an amino acid residue and is not located with in the splice consensus sequence. Lys152Lys in exon 5 of CSRP3 (allele frequenc y = n/a)

NM_003476.5(CSRP3):c.456G>A (p.Lys152=)

Gene: CSRP3 (cysteine and glycine rich protein 3; minus strand). Cytogenetic location: 11p15.1.
Variant type: single nucleotide variant.
Coding change: c.456G>A on transcript NM_003476.5 (MANE Select); coding-DNA position 456, G replaced by A.
Protein change: p.Lys152=; no amino-acid change (lysine 152 retained).
Molecular consequence: synonymous variant. On other transcripts: missense variant (1).
Genome position (GRCh38, 1-based): chr11:19,185,004, C>T on the plus strand (G>A on the coding strand, the complement: CSRP3 is on the minus strand). VCF-style: chr11-19185004-C-T. GRCh37 (hg19) VCF-style: chr11-19206551-C-T.
Other names: c.287G>A, p.Arg96Lys (NM_001369404.1); short protein forms R96K.
Identifiers: ClinVar variation 44698 (VCV000044698.7), dbSNP rs397516856, ClinGen allele CA134903.
Genomic context (GRCh38, chr11:19,185,004, plus strand): 5'-TCACTCACCTTTGCAATAAAGTTCCCCATCTTTGTCAGTGACATTTGTGGACTCCAGACT[C>T]TTCCCACAGATGGCACAGCGGAAACAGGTCTTGTGCCAAGGCTGAGGGGCACAGAAAAGT-3'
Protein context (NP_003467.1, residues 142-162): KTCFRCAICG[Lys152=]SLESTNVTDK